The following is an entry in ClinVar:

NM_001844.5(COL2A1):c.2051G>T (p.Gly684Val)

Gene: COL2A1 (collagen type II alpha 1 chain; minus strand). Cytogenetic location: 12q13.11.
Variant type: single nucleotide variant.
Coding change: c.2051G>T on transcript NM_001844.5 (MANE Select); coding-DNA position 2051, G replaced by T.
Protein change: p.Gly684Val; replaces glycine 684 with valine.
Molecular consequence: missense variant.
Genome position (GRCh38, 1-based): chr12:47,983,136, C>A on the plus strand (G>T on the coding strand, the complement: COL2A1 is on the minus strand). VCF-style: chr12-47983136-C-A. GRCh37 (hg19) VCF-style: chr12-48376919-C-A.
Other names: c.1844G>T, p.Gly615Val (NM_033150.3); short protein forms G684V, G615V.
Identifiers: ClinVar variation 1508877 (VCV001508877.8), dbSNP rs2136552948, ClinGen allele CA384547679.

ClinVar aggregate classification (germline): Likely pathogenic (1 of 4 stars; one submission).

Submission:

Labcorp Genetics (formerly Invitae), Labcorp
Classification: Likely pathogenic. Last evaluated: 2024-11-27. Review status: criteria provided, single submitter. Criteria: Invitae Variant Classification Sherloc (09022015). Collection method: clinical testing. Allele origin: germline.
Comment: This sequence change replaces glycine, which is neutral and non-polar, with valine, which is neutral and non-polar, at codon 684 of the COL2A1 protein (p.Gly684Val). This variant is not present in population databases (gnomAD no frequency). This missense change has been observed in individual(s) with clinical features of spondyloepiphyseal dysplasia (PMID: 22791362; internal data). ClinVar contains an entry for this variant (Variation ID: 1508877). An algorithm developed to predict the effect of missense changes on protein structure and function (PolyPhen-2) suggests that this variant is likely to be disruptive. This variant disrupts the triple helix domain of COL2A1. Glycine residues within the Gly-Xaa-Yaa repeats of the triple helix domain are required for the structure and stability of fibrillar collagens (PMID: 7695699, 8218237, 19344236). In COL2A1, variants affecting these glycine residues are significantly enriched in individuals with disease (PMID: 9016532, 17078022) compared to the general population (ExAC). This variant disrupts the p.Gly684 amino acid residue in COL2A1. Other variant(s) that disrupt this residue have been observed in individuals with COL2A1-related conditions (PMID: 34529350), which suggests that this may be a clinically significant amino acid residue. In summary, the currently available evidence indicates that the variant is pathogenic, but additional data are needed to prove that conclusively. Therefore, this variant has been classified as Likely Pathogenic.

Literature cited by the submitters: PubMed 22791362; PubMed 7695699; PubMed 8218237; PubMed 19344236; PubMed 9016532; PubMed 17078022; PubMed 34529350.